The following is an entry in ClinVar:

ClinVar aggregate classification (germline): Pathogenic (1 of 4 stars; one submission).

Submission:

Labcorp Genetics (formerly Invitae), Labcorp
Classification: Pathogenic. Last evaluated: 2023-09-08. Review status: criteria provided, single submitter. Criteria: Invitae Variant Classification Sherloc (09022015). Collection method: clinical testing. Allele origin: germline.
Comment: Advanced modeling of protein sequence and biophysical properties (such as structural, functional, and spatial information, amino acid conservation, physicochemical variation, residue mobility, and thermodynamic stability) performed at Invitae indicates that this missense variant is expected to disrupt MUT protein function. This variant disrupts the p.His627 amino acid residue in MUT. Other variant(s) that disrupt this residue have been determined to be pathogenic (PMID: 10923046, 15643616, 23430940, 26454439). This suggests that this residue is clinically significant, and that variants that disrupt this residue are likely to be disease-causing. For these reasons, this variant has been classified as Pathogenic. This sequence change replaces histidine, which is basic and polar, with glutamine, which is neutral and polar, at codon 627 of the MUT protein (p.His627Gln). This variant is not present in population databases (gnomAD no frequency). This missense change has been observed in individual(s) with methylmalonic aciduria (PMID: 32754920). In at least one individual the data is consistent with being in trans (on the opposite chromosome) from a pathogenic variant.

Literature cited by the submitters: PubMed 10923046; PubMed 15643616; PubMed 23430940; PubMed 26454439; PubMed 32754920.

NM_000255.4(MMUT):c.1881T>A (p.His627Gln)

Gene: MMUT (methylmalonyl-CoA mutase; minus strand). Cytogenetic location: 6p12.3.
Variant type: single nucleotide variant.
Coding change: c.1881T>A on transcript NM_000255.4 (MANE Select); coding-DNA position 1881, T replaced by A.
Protein change: p.His627Gln; replaces histidine 627 with glutamine.
Molecular consequence: missense variant.
Genome position (GRCh38, 1-based): chr6:49,440,281, A>T on the plus strand (T>A on the coding strand, the complement: MMUT is on the minus strand). VCF-style: chr6-49440281-A-T. GRCh37 (hg19) VCF-style: chr6-49407994-A-T.
Other names: short protein forms H627Q.
Identifiers: ClinVar variation 2780081 (VCV002780081.3), dbSNP rs2481310789, ClinGen allele CA364395164.